The following is an entry in ClinVar:

NM_001080517.3(SETD5):c.1820dup (p.Ala608fs)

Gene: SETD5 (SET domain containing 5; plus strand). Cytogenetic location: 3p25.3.
Variant type: Duplication.
Coding change: c.1820dup on transcript NM_001080517.3 (MANE Select); coding-DNA position 1820, one base duplicated (C; older notation c.1820dupC).
Protein change: p.Ala608fs; shifts the reading frame from alanine 608.
Molecular consequence: frameshift variant.
Genome position (GRCh38, 1-based): chr3:9,447,723, C duplicated; the last of 2 consecutive C bases (chr3:9,447,722-9,447,723); duplicating either gives the same sequence. VCF-style (leftmost placement, unchanged base first): chr3-9447721-T-TC. GRCh37 (hg19) VCF-style: chr3-9489405-T-TC.
Other names: c.1526dup, p.Ala510fs (NM_001292043.2, NM_001349451.2); short protein forms A510fs, A608fs.
Identifiers: ClinVar variation 3639381 (VCV003639381.2).
Genomic context (GRCh38, chr3:9,447,721, plus strand): 5'-GCATCTGACCCTACTATTGCTACAGGATATTGCTGCAGAAAAACTAGTCCCCAAGCCACC[T>TC]CCAGCAAAGCCTTCTAGGCCCCGGCCGAAGAGTCGAATTTCTCGGTACAGGACCAGTTCA-3'

ClinVar aggregate classification (germline): Pathogenic (1 of 4 stars; one submission).

Submission:

Labcorp Genetics (formerly Invitae), Labcorp
Classification: Pathogenic. Last evaluated: 2024-02-07. Review status: criteria provided, single submitter. Criteria: Invitae Variant Classification Sherloc (09022015). Collection method: clinical testing. Allele origin: germline.
Comment: This sequence change creates a premature translational stop signal (p.Ala608Serfs*5) in the SETD5 gene. It is expected to result in an absent or disrupted protein product. Loss-of-function variants in SETD5 are known to be pathogenic (PMID: 24680889). This variant is not present in population databases (gnomAD no frequency). This variant has not been reported in the literature in individuals affected with SETD5-related conditions. For these reasons, this variant has been classified as Pathogenic.

Literature cited by the submitters: PubMed 24680889.